The following is an entry in ClinVar:

ClinVar aggregate classification (germline): Conflicting classifications of pathogenicity. Review status: criteria provided, conflicting classifications (1 of 4 stars). 3 submissions from 3 submitters: Uncertain significance (1); Likely benign (1). 1 of the submissions does not count toward it. Last evaluated 2023-12-01.

Conditions:
LIPA-related disorder. Also called: LIPA-related condition; LIPA-related disorders.

Submissions (3):

Women's Health and Genetics/Laboratory Corporation of America, LabCorp
Classification: Likely benign. Last evaluated: 2023-12-01. Review status: criteria provided, single submitter. Criteria: LabCorp Variant Classification Summary - May 2015. Collection method: clinical testing. Allele origin: germline.
Comment: Variant summary: LIPA c.429-10T>G alters a conserved nucleotide located at a position not widely known to affect splicing. Several computational tools predict a significant impact on normal splicing: Two predict the variant weakens a 3' acceptor site and one predicts the variant has no significant impact on splicing. However, these predictions have yet to be confirmed by functional studies. The variant was absent in 251290 control chromosomes (gnomAD). The available data on variant occurrences in the general population are insufficient to allow any conclusion about variant significance. To our knowledge, no occurrence of c.429-10T>G in individuals affected with Lysosomal Acid Lipase Deficiency and no experimental evidence demonstrating its impact on protein function have been reported. One submitter has cited a clinical-significance assessment for this variant to ClinVar after 2014 and has classified the variant as uncertain significance. Based on the evidence outlined above, the variant was classified as likely benign.

Eurofins Ntd Llc (ga)
Classification: Uncertain significance. Last evaluated: 2017-10-09. Review status: criteria provided, single submitter. Criteria: EGL Classification Definitions 2015. Collection method: clinical testing. Allele origin: germline. Observed: 2 variant alleles, 2 heterozygotes.

PreventionGenetics, part of Exact Sciences
Classification: Likely benign for LIPA-related condition. Last evaluated: 2019-07-11. Review status: no assertion criteria provided. Collection method: clinical testing. Allele origin: germline. Not counted in ClinVar's aggregate classification.
Comment: This variant is classified as likely benign based on ACMG/AMP sequence variant interpretation guidelines (Richards et al. 2015 PMID: 25741868, with internal and published modifications).

NM_000235.4(LIPA):c.429-10T>G

Gene: LIPA (lipase A, lysosomal acid type; minus strand). Cytogenetic location: 10q23.31.
Variant type: single nucleotide variant.
Coding change: c.429-10T>G on transcript NM_000235.4 (MANE Select); 10 bases into the intron before coding-DNA position 429, T replaced by G.
Molecular consequence: intron variant.
Genome position (GRCh38, 1-based): chr10:89,227,014, A>C on the plus strand (T>G on the coding strand, the complement: LIPA is on the minus strand). VCF-style: chr10-89227014-A-C. GRCh37 (hg19) VCF-style: chr10-90986771-A-C.
Other names: c.81-10T>G (NM_001288979.2); c.429-10T>G (NM_001127605.3, NM_000235.3).
Identifiers: ClinVar variation 497777 (VCV000497777.8), dbSNP rs1554865817, ClinGen allele CA658797514.